The following is an entry in ClinVar:

ClinVar aggregate classification (germline): Uncertain significance (1 of 4 stars; one submission).

Conditions:
Aicardi-Goutieres syndrome 7 (AGS7). Identifiers: Orphanet 51, MedGen C3888244, MONDO:0014367, OMIM 615846.
Singleton-Merten syndrome 1 (SGMRT1). Also called: Widened medullary cavities of bone, aortic calcification, abnormal dentition, and muscular weakness; Syndrome of widened medullary cavities of the metacarpals and phalanges, aortic calcification and abnormal dentition. Identifiers: Orphanet 85191, MedGen C4225427, MONDO:0024535, OMIM 182250.

Allele frequency attached by ClinVar (database versions not stated): gnomAD exomes below 0.00001; TOPMed below 0.00001.
gnomAD v4.1: 1 of 1,612,038 alleles (0.000062%); highest among the groups gnomAD compares: Non-Finnish European, 0.000085%; no homozygotes.

Submission:

Labcorp Genetics (formerly Invitae), Labcorp
Classification: Uncertain significance for Aicardi-Goutieres syndrome 7; Singleton-Merten syndrome 1. Last evaluated: 2023-03-20. Review status: criteria provided, single submitter. Criteria: Invitae Variant Classification Sherloc (09022015). Collection method: clinical testing. Allele origin: germline.
Comment: This sequence change replaces asparagine, which is neutral and polar, with lysine, which is basic and polar, at codon 944 of the IFIH1 protein (p.Asn944Lys). This variant is not present in population databases (gnomAD no frequency). This variant has not been reported in the literature in individuals affected with IFIH1-related conditions. This missense change has been observed in at least one individual who was not affected with IFIH1-related conditions (Invitae). Advanced modeling of protein sequence and biophysical properties (such as structural, functional, and spatial information, amino acid conservation, physicochemical variation, residue mobility, and thermodynamic stability) has been performed at Invitae for this missense variant, however the output from this modeling did not meet the statistical confidence thresholds required to predict the impact of this variant on IFIH1 protein function. In summary, the available evidence is currently insufficient to determine the role of this variant in disease. Therefore, it has been classified as a Variant of Uncertain Significance.

NM_022168.4(IFIH1):c.2832C>G (p.Asn944Lys)

Gene: IFIH1 (interferon induced with helicase C domain 1; minus strand). Cytogenetic location: 2q24.2.
Variant type: single nucleotide variant.
Coding change: c.2832C>G on transcript NM_022168.4 (MANE Select); coding-DNA position 2832, C replaced by G.
Protein change: p.Asn944Lys; replaces asparagine 944 with lysine.
Molecular consequence: missense variant.
Genome position (GRCh38, 1-based): chr2:162,267,545, G>C on the plus strand (C>G on the coding strand, the complement: IFIH1 is on the minus strand). VCF-style: chr2-162267545-G-C. GRCh37 (hg19) VCF-style: chr2-163124055-G-C.
Other names: short protein forms N944K.
Identifiers: ClinVar variation 2941757 (VCV002941757.3), dbSNP rs1218023983, ClinGen allele CA348989939.